The following is an entry in ClinVar:

NM_001035.3(RYR2):c.6307C>G (p.Pro2103Ala)

Gene: RYR2 (ryanodine receptor 2; plus strand). Cytogenetic location: 1q43.
Variant type: single nucleotide variant.
Coding change: c.6307C>G on transcript NM_001035.3 (MANE Select); coding-DNA position 6307, C replaced by G.
Protein change: p.Pro2103Ala; replaces proline 2103 with alanine.
Molecular consequence: missense variant.
Genome position (GRCh38, 1-based): chr1:237,627,947, C>G. VCF-style: chr1-237627947-C-G. GRCh37 (hg19) VCF-style: chr1-237791247-C-G.
Other names: c.6307C>G, p.Pro2103Ala (LRG_402t1); short protein forms P2103A.
Identifiers: ClinVar variation 629415 (VCV000629415.6), dbSNP rs1559136427, ClinGen allele CA345411165.

ClinVar aggregate classification (germline): Uncertain significance (1 of 4 stars; one submission).

Conditions:
Cardiomyopathy (CMYO). Also called: Cardiomyopathies. Identifiers: Orphanet 167848, MedGen C0878544, MONDO:0004994, HP:0001638. Inheritance: Various modes of inheritance.

Allele frequency attached by ClinVar (database versions not stated): gnomAD exomes below 0.00001.
gnomAD v4.1: 2 of 1,613,172 alleles (0.00012%); highest among the groups gnomAD compares: South Asian, 0.0022%; no homozygotes.

Submission:

Color Diagnostics, LLC DBA Color Health
Classification: Uncertain significance for Cardiomyopathy. Last evaluated: 2024-03-06. Review status: criteria provided, single submitter. Criteria: ACMG Guidelines, 2015. Collection method: clinical testing. Allele origin: germline.
Comment: This missense variant replaces proline with alanine at codon 2103 of the RYR2 protein. Computational prediction suggests that this variant may have deleterious impact on protein structure and function (internally defined REVEL score threshold >= 0.7, PMID: 27666373). To our knowledge, functional studies have not been reported for this variant. This variant has not been reported in individuals affected with cardiovascular disorders in the literature. This variant has not been identified in the general population by the Genome Aggregation Database (gnomAD). The available evidence is insufficient to determine the role of this variant in disease conclusively. Therefore, this variant is classified as a Variant of Uncertain Significance.